The following is an entry in ClinVar:

ClinVar aggregate classification (germline): Likely benign (1 of 4 stars; one submission).

Submission:

CeGaT Center for Human Genetics Tuebingen
Classification: Likely benign. Last evaluated: 2026-05-01. Review status: criteria provided, single submitter. Criteria: CeGaT Center For Human Genetics Tuebingen Variant Classification Criteria Version 2. Collection method: clinical testing. Allele origin: germline. Affected: yes. Observed: 1 variant allele.
Comment: FN1: BP4, BS1

NM_212482.4(FN1):c.3605-7dup

Gene: FN1 (fibronectin 1; minus strand). Cytogenetic location: 2q35.
Variant type: Duplication.
Coding change: c.3605-7dup on transcript NM_212482.4 (MANE Select); 7 bases into the intron before coding-DNA position 3605, one base duplicated (T; older notation c.3605-7dupT).
Molecular consequence: intron variant.
Genome position (GRCh38, 1-based): chr2:215,394,726, A duplicated on the plus strand (T on the coding strand, the reverse complement: FN1 is on the minus strand); the first of 6 consecutive A bases (chr2:215,394,726-215,394,731); duplicating any one gives the same sequence. VCF-style (leftmost placement, unchanged base first): chr2-215394725-G-GA. GRCh37 (hg19) VCF-style: chr2-216259448-G-GA.
Other names: c.3605-7dup (NM_212474.3, NM_001306132.2, NM_001365523.2 and 13 more transcripts).
Identifiers: ClinVar variation 4874408 (VCV004874408.2).
Genomic context (GRCh38, chr2:215,394,725, plus strand): 5'-GAATTTCCCTGCTGGCCGTTTGTAGGGGTTGTGGTAATTCTATAACCAGTAATGTCTGGA[G>GA]AAAAAAGAAAAGGGAAGTTATTGCACAGAGGATCTGTGAGCCAGAGCATATTTAACTAGA-3'